The following is an entry in ClinVar:

NM_000081.4(LYST):c.4450A>G (p.Ile1484Val)

Gene: LYST (lysosomal trafficking regulator; minus strand). Cytogenetic location: 1q42.3.
Variant type: single nucleotide variant.
Coding change: c.4450A>G on transcript NM_000081.4 (MANE Select); coding-DNA position 4450, A replaced by G.
Protein change: p.Ile1484Val; replaces isoleucine 1484 with valine.
Molecular consequence: missense variant.
Genome position (GRCh38, 1-based): chr1:235,791,792, T>C on the plus strand (A>G on the coding strand, the complement: LYST is on the minus strand). VCF-style: chr1-235791792-T-C. GRCh37 (hg19) VCF-style: chr1-235955092-T-C.
Other names: c.4450A>G, p.Ile1484Val (NM_001301365.1); short protein forms I1484V.
Identifiers: ClinVar variation 2012156 (VCV002012156.2), dbSNP rs755302318, ClinGen allele CA1466846.

ClinVar aggregate classification (germline): Uncertain significance (1 of 4 stars; one submission).

Conditions:
Chédiak-Higashi syndrome (CHS). Also called: Chediak-Higashi Syndrome. Identifiers: Orphanet 167, MedGen C0007965, MONDO:0008963, OMIM 214500.

Allele frequency attached by ClinVar (database versions not stated): gnomAD exomes below 0.00001; TOPMed below 0.00001; ExAC 0.00001.
gnomAD v4.1: 1 of 1,613,922 alleles (0.000062%); no homozygotes.

Submission:

Labcorp Genetics (formerly Invitae), Labcorp
Classification: Uncertain significance for Chédiak-Higashi syndrome. Last evaluated: 2023-11-27. Review status: criteria provided, single submitter. Criteria: Invitae Variant Classification Sherloc (09022015). Collection method: clinical testing. Allele origin: germline.
Comment: This sequence change replaces isoleucine, which is neutral and non-polar, with valine, which is neutral and non-polar, at codon 1484 of the LYST protein (p.Ile1484Val). This variant is present in population databases (rs755302318, gnomAD 0.004%). This variant has not been reported in the literature in individuals affected with LYST-related conditions. ClinVar contains an entry for this variant (Variation ID: 2012156). Advanced modeling of protein sequence and biophysical properties (such as structural, functional, and spatial information, amino acid conservation, physicochemical variation, residue mobility, and thermodynamic stability) performed at Invitae indicates that this missense variant is not expected to disrupt LYST protein function with a negative predictive value of 80%. In summary, the available evidence is currently insufficient to determine the role of this variant in disease. Therefore, it has been classified as a Variant of Uncertain Significance.